The following is an entry in ClinVar:

ClinVar aggregate classification (germline): Conflicting classifications of pathogenicity. Review status: criteria provided, conflicting classifications (1 of 4 stars). 2 submissions from 2 submitters: Uncertain significance (1); Likely benign (1). Last evaluated 2026-03-05.

Conditions:
SDCCAG8-related disorder. Also called: SDCCAG8-related condition; SDCCAG8-Related Disorders.
Bardet-Biedl syndrome 16 (BBS16). Identifiers: Orphanet 110, MedGen C3889474, MONDO:0014444, OMIM 615993.
Senior-Loken syndrome 7 (SLSN7). Identifiers: Orphanet 3156, MedGen C3150877, MONDO:0013326, OMIM 613615.

Allele frequency attached by ClinVar (database versions not stated): TOPMed below 0.00001; ExAC 0.00001; gnomAD 0.00001; gnomAD exomes 0.00001; 1000 Genomes Project 30x 0.00016; 1000 Genomes Project 0.00020.
gnomAD v4.1: 10 of 1,613,810 alleles (0.00062%); highest among the groups gnomAD compares: Middle Eastern, 0.017%; no homozygotes.

Submissions (2):

PreventionGenetics, part of Exact Sciences
Classification: Likely benign for SDCCAG8-related condition. Last evaluated: 2026-03-05. Review status: criteria provided, single submitter. Criteria: ACMG Guidelines, 2015. Collection method: clinical testing. Allele origin: germline.
Comment: This variant is classified as likely benign based on ACMG/AMP sequence variant interpretation guidelines (Richards et al. 2015 PMID: 25741868, with internal and published modifications).

Labcorp Genetics (formerly Invitae), Labcorp
Classification: Uncertain significance for Bardet-Biedl syndrome 16; Senior-Loken syndrome 7. Last evaluated: 2022-10-17. Review status: criteria provided, single submitter. Criteria: Invitae Variant Classification Sherloc (09022015). Collection method: clinical testing. Allele origin: germline.
Comment: In summary, the available evidence is currently insufficient to determine the role of this variant in disease. Therefore, it has been classified as a Variant of Uncertain Significance. Variants that disrupt the consensus splice site are a relatively common cause of aberrant splicing (PMID: 17576681, 9536098). Algorithms developed to predict the effect of sequence changes on RNA splicing suggest that this variant is not likely to affect RNA splicing. ClinVar contains an entry for this variant (Variation ID: 1004482). This variant has not been reported in the literature in individuals affected with SDCCAG8-related conditions. This variant is present in population databases (rs564399164, gnomAD 0.01%). This sequence change affects codon 182 of the SDCCAG8 mRNA. It is a 'silent' change, meaning that it does not change the encoded amino acid sequence of the SDCCAG8 protein. It affects a nucleotide within the consensus splice site.

Literature cited by the submitters: PubMed 17576681 (cited by Labcorp Genetics (formerly Invitae), Labcorp); PubMed 9536098 (cited by Labcorp Genetics (formerly Invitae), Labcorp).

NM_006642.5(SDCCAG8):c.546C>T (p.Ser182=)

Gene: SDCCAG8 (SHH signaling and ciliogenesis regulator SDCCAG8; plus strand). Cytogenetic location: 1q43.
Variant type: single nucleotide variant.
Coding change: c.546C>T on transcript NM_006642.5 (MANE Select); coding-DNA position 546, C replaced by T.
Protein change: p.Ser182=; no amino-acid change (serine 182 retained).
Molecular consequence: synonymous variant. On other transcripts: 5 prime UTR variant (3).
Genome position (GRCh38, 1-based): chr1:243,286,397, C>T. VCF-style: chr1-243286397-C-T. GRCh37 (hg19) VCF-style: chr1-243449699-C-T.
Other names: c.-567C>T (NM_001350246.2); c.-455C>T (NM_001350247.2); c.546C>T, p.Ser182= (NM_001350248.2); c.252C>T, p.Ser84= (NM_001350249.2); c.-828C>T (NM_001350251.2); c.546C>T (NM_006642.3).
Identifiers: ClinVar variation 1004482 (VCV001004482.10), dbSNP rs564399164, ClinGen allele CA1483332.